The following is an entry in ClinVar:

ClinVar aggregate classification (germline): Uncertain significance (1 of 4 stars; one submission).

Submission:

Laboratory for Molecular Medicine, Mass General Brigham Personalized Medicine
Classification: Uncertain significance. Last evaluated: 2019-02-11. Review status: criteria provided, single submitter. Criteria: LMM Criteria. Collection method: clinical testing. Allele origin: germline. Observed: 1 variant allele.
Comment: The p.Ile1254Thr variant in COL4A4 has not been previously reported in individuals with hearing loss or Alport syndrome and was absent from large population studies. Computational prediction tools and conservation analysis suggest that this variant may not impact the protein, though this information is not predictive enough to rule out pathogenicity. In summary, the clinical significance of this variant is uncertain. ACMG/AMP Criteria applied: PM2, BP4.

NM_000092.5(COL4A4):c.3761T>C (p.Ile1254Thr)

Gene: COL4A4 (collagen type IV alpha 4 chain; minus strand). Cytogenetic location: 2q36.3.
Variant type: single nucleotide variant.
Coding change: c.3761T>C on transcript NM_000092.5 (MANE Select); coding-DNA position 3761, T replaced by C.
Protein change: p.Ile1254Thr; replaces isoleucine 1254 with threonine.
Molecular consequence: missense variant.
Genome position (GRCh38, 1-based): chr2:227,032,001, A>G on the plus strand (T>C on the coding strand, the complement: COL4A4 is on the minus strand). VCF-style: chr2-227032001-A-G. GRCh37 (hg19) VCF-style: chr2-227896717-A-G.
Other names: short protein forms I1254T.
Identifiers: ClinVar variation 666816 (VCV000666816.5), dbSNP rs1575916161, ClinGen allele CA350837600.